The following is an entry in ClinVar:

ClinVar aggregate classification (germline): Uncertain significance (1 of 4 stars; one submission).

Allele frequency attached by ClinVar (database versions not stated): gnomAD 0.00001 and 0.00002; gnomAD exomes 0.00001 and 0.00002; ExAC 0.00002; TOPMed 0.00002; ESP Exome Variant Server 0.00008.
gnomAD v4.1: 29 of 1,613,536 alleles (0.0018%); highest among the groups gnomAD compares: Non-Finnish European, 0.0023%; no homozygotes.

Submission:

Labcorp Genetics (formerly Invitae), Labcorp
Classification: Uncertain significance. Last evaluated: 2021-02-25. Review status: criteria provided, single submitter. Criteria: Invitae Variant Classification Sherloc (09022015). Collection method: clinical testing. Allele origin: germline.
Comment: This sequence change replaces threonine with alanine at codon 429 of the MATN3 protein (p.Thr429Ala). The threonine residue is highly conserved and there is a small physicochemical difference between threonine and alanine. This variant is present in population databases (rs376487878, ExAC 0.005%). This variant has not been reported in the literature in individuals with MATN3-related conditions. Algorithms developed to predict the effect of missense changes on protein structure and function are either unavailable or do not agree on the potential impact of this missense change (SIFT: "Deleterious"; PolyPhen-2: "Possibly Damaging"; Align-GVGD: "Class C0"). In summary, the available evidence is currently insufficient to determine the role of this variant in disease. Therefore, it has been classified as a Variant of Uncertain Significance.

NM_002381.5(MATN3):c.1285A>G (p.Thr429Ala)

Genes: MATN3 (matrilin 3; minus strand), WDR35-DT (WDR35 divergent transcript; plus strand). Cytogenetic location: 2p24.1.
Variant type: single nucleotide variant.
Coding change: c.1285A>G on transcript NM_002381.5 (MANE Select); coding-DNA position 1285, A replaced by G.
Protein change: p.Thr429Ala; replaces threonine 429 with alanine.
Molecular consequence: missense variant.
Genome position (GRCh38, 1-based): chr2:19,997,143, T>C on the plus strand (A>G on the coding strand, the complement: MATN3 is on the minus strand). VCF-style: chr2-19997143-T-C. GRCh37 (hg19) VCF-style: chr2-20196904-T-C.
Other names: short protein forms T429A.
Identifiers: ClinVar variation 1480027 (VCV001480027.8), dbSNP rs376487878, ClinGen allele CA1543759.